The following is an entry in ClinVar:

ClinVar aggregate classification (germline): Uncertain significance. Review status: criteria provided, multiple submitters, no conflicts (2 of 4 stars). 4 submissions from 4 submitters: Uncertain significance (4). Last evaluated 2025-09-28.

Conditions:
Retinal dystrophy. Also called: Inherited retinal dystrophy. Identifiers: Orphanet 71862, MedGen C0854723, MeSH D058499, MONDO:0019118, HP:0000556.
Inborn genetic diseases. Identifiers: MedGen C0950123, MeSH D030342.

Allele frequency attached by ClinVar (database versions not stated): gnomAD exomes 0.00001 and 0.00002; ExAC 0.00002; gnomAD 0.00002; 1000 Genomes Project 30x 0.00016; 1000 Genomes Project 0.00020.
gnomAD v4.1: 20 of 1,614,170 alleles (0.0012%); highest among the groups gnomAD compares: East Asian, 0.027%; no homozygotes.

Submissions (4):

Ambry Genetics
Classification: Uncertain significance for Inborn genetic diseases. Last evaluated: 2025-09-28. Review status: criteria provided, single submitter. Criteria: Ambry Variant Classification Scheme 2023. Collection method: clinical testing. Allele origin: germline.

Dept Of Ophthalmology, Nagoya University
Classification: Uncertain significance for Retinal dystrophy. Last evaluated: 2023-10-01. Review status: criteria provided, single submitter. Criteria: Submitter's publication. Collection method: research. Allele origin: germline. Affected: yes.

Labcorp Genetics (formerly Invitae), Labcorp
Classification: Uncertain significance. Last evaluated: 2022-02-17. Review status: criteria provided, single submitter. Criteria: Invitae Variant Classification Sherloc (09022015). Collection method: clinical testing. Allele origin: germline.
Comment: This sequence change replaces isoleucine, which is neutral and non-polar, with valine, which is neutral and non-polar, at codon 2166 of the ABCA4 protein (p.Ile2166Val). This variant is present in population databases (rs200658526, gnomAD 0.02%). This variant has not been reported in the literature in individuals affected with ABCA4-related conditions. Advanced modeling of protein sequence and biophysical properties (such as structural, functional, and spatial information, amino acid conservation, physicochemical variation, residue mobility, and thermodynamic stability) performed at Invitae indicates that this missense variant is not expected to disrupt ABCA4 protein function. In summary, the available evidence is currently insufficient to determine the role of this variant in disease. Therefore, it has been classified as a Variant of Uncertain Significance.

Blueprint Genetics
Classification: Uncertain significance. Last evaluated: 2019-10-11. Review status: criteria provided, single submitter. Criteria: ACMG Guidelines, 2015. Collection method: clinical testing. Allele origin: germline.

NM_000350.3(ABCA4):c.6496A>G (p.Ile2166Val)

Gene: ABCA4 (ATP binding cassette subfamily A member 4; minus strand). Cytogenetic location: 1p22.1.
Variant type: single nucleotide variant.
Coding change: c.6496A>G on transcript NM_000350.3 (MANE Select); coding-DNA position 6496, A replaced by G.
Protein change: p.Ile2166Val; replaces isoleucine 2166 with valine.
Molecular consequence: missense variant.
Genome position (GRCh38, 1-based): chr1:93,998,094, T>C on the plus strand (A>G on the coding strand, the complement: ABCA4 is on the minus strand). VCF-style: chr1-93998094-T-C. GRCh37 (hg19) VCF-style: chr1-94463650-T-C.
Other names: c.6274A>G, p.Ile2092Val (NM_001425324.1); c.6496A>G (NM_000350.2); short protein forms I2166V, I2092V.
Identifiers: ClinVar variation 1401352 (VCV001401352.7), dbSNP rs200658526, ClinGen allele CA956854.
Genomic context (GRCh38, chr1:93,998,094, plus strand): 5'-CCACAGGGTTCAGGTCAGGAAGCAGGTCGTCCTTCGGGGATTTGATCTTCATTGTGACGA[T>C]ATAGCCATCTCCAAATCTAGGGGATGCACACAGTGCAGGACAGGCCTCTGTTAGTGGTTG-3'
Protein context (NP_000341.2, residues 2156-2176): HLKSKFGDGY[Ile2166Val]VTMKIKSPKD